The following is an entry in ClinVar:

NM_032442.3(NEURL4):c.534C>T (p.Cys178=)

Gene: NEURL4 (neuralized E3 ubiquitin protein ligase 4; minus strand). Cytogenetic location: 17p13.1.
Variant type: single nucleotide variant.
Coding change: c.534C>T on transcript NM_032442.3 (MANE Select); coding-DNA position 534, C replaced by T.
Protein change: p.Cys178=; no amino-acid change (cysteine 178 retained).
Molecular consequence: synonymous variant.
Genome position (GRCh38, 1-based): chr17:7,327,633, G>A on the plus strand (C>T on the coding strand, the complement: NEURL4 is on the minus strand). VCF-style: chr17-7327633-G-A. GRCh37 (hg19) VCF-style: chr17-7230952-G-A.
Other names: c.534C>T, p.Cys178= (NM_001005408.2).
Identifiers: ClinVar variation 2647332 (VCV002647332.24), dbSNP rs370205030, ClinGen allele CA8343490.

ClinVar aggregate classification (germline): Likely benign (1 of 4 stars; one submission).

Allele frequency attached by ClinVar (database versions not stated): ExAC 0.00082; gnomAD 0.00085; TOPMed 0.00085; ESP Exome Variant Server 0.00110; gnomAD exomes 0.00129.
gnomAD v4.1: 2,010 of 1,613,138 alleles (0.12%); highest among the groups gnomAD compares: Non-Finnish European, 0.15%; 3 homozygotes.

Submission:

CeGaT Center for Human Genetics Tuebingen
Classification: Likely benign. Last evaluated: 2022-03-01. Review status: criteria provided, single submitter. Criteria: CeGaT Center For Human Genetics Tuebingen Variant Classification Criteria Version 2. Collection method: clinical testing. Allele origin: germline. Affected: yes. Observed: 1 variant allele.
Comment: NEURL4: BP4, BP7